The following is an entry in ClinVar:

NM_000218.3(KCNQ1):c.669C>T (p.Ala223=)

Gene: KCNQ1 (potassium voltage-gated channel subfamily Q member 1; plus strand). Cytogenetic location: 11p15.5.
Variant type: single nucleotide variant.
Coding change: c.669C>T on transcript NM_000218.3 (MANE Select); coding-DNA position 669, C replaced by T.
Protein change: p.Ala223=; no amino-acid change (alanine 223 retained).
Molecular consequence: synonymous variant. On other transcripts: intron variant (1).
Genome position (GRCh38, 1-based): chr11:2,571,389, C>T. VCF-style: chr11-2571389-C-T. GRCh37 (hg19) VCF-style: chr11-2592619-C-T.
Other names: c.669C>T, p.Ala223= (NM_001406836.1); c.399C>T, p.Ala133= (NM_001406837.1); c.288C>T, p.Ala96= (NM_181798.2); c.478-12046C>T (NM_001406838.1).
Identifiers: ClinVar variation 1533056 (VCV001533056.10), dbSNP rs371978875, ClinGen allele CA039435.

ClinVar aggregate classification (germline): Likely benign. Review status: criteria provided, multiple submitters, no conflicts (2 of 4 stars). 3 submissions from 3 submitters: Likely benign (3). Last evaluated 2024-02-22.

Conditions:
Cardiac arrhythmia. Also called: Arrhythmia; Cardiac rhythm disease. Identifiers: MedGen C0003811, MONDO:0007263, HP:0011675.
Long QT syndrome (LQTS). Identifiers: MedGen C0023976, MeSH D008133, MONDO:0002442. Disease mechanism: loss of function. Inheritance: Various modes of inheritance.

Allele frequency attached by ClinVar (database versions not stated): ExAC 0.00002; gnomAD exomes 0.00001 and below 0.00001; ESP Exome Variant Server 0.00015; TOPMed 0.00001.
gnomAD v4.1: 3 of 1,612,004 alleles (0.00019%); highest among the groups gnomAD compares: East Asian, 0.0067%; no homozygotes.

Submissions (3):

All of Us Research Program, National Institutes of Health
Classification: Likely benign for Long QT syndrome. Last evaluated: 2024-02-22. Review status: criteria provided, single submitter. Criteria: ACMG Guidelines, 2015. Collection method: clinical testing. Allele origin: germline. Inheritance: Autosomal dominant inheritance. Observed: 1 variant allele, 1 heterozygote.
Comment: This study involves interpretation of variants in research participants for the purpose of population health screening. Participant phenotype was not available at the time of variant classification. Additional details can be found in publication PMID: 35346344, PMCID: PMC8962531

Color Diagnostics, LLC DBA Color Health
Classification: Likely benign for Cardiac arrhythmia. Last evaluated: 2024-01-30. Review status: criteria provided, single submitter. Criteria: ACMG Guidelines, 2015. Collection method: clinical testing. Allele origin: germline.

Labcorp Genetics (formerly Invitae), Labcorp
Classification: Likely benign for Long QT syndrome. Last evaluated: 2020-12-01. Review status: criteria provided, single submitter. Criteria: Invitae Variant Classification Sherloc (09022015). Collection method: clinical testing. Allele origin: germline.